The following is an entry in ClinVar:

NM_005228.5(EGFR):c.1960C>G (p.Leu654Val)

Gene: EGFR (epidermal growth factor receptor; plus strand). Cytogenetic location: 7p11.2.
Variant type: single nucleotide variant.
Coding change: c.1960C>G on transcript NM_005228.5 (MANE Select); coding-DNA position 1960, C replaced by G.
Protein change: p.Leu654Val; replaces leucine 654 with valine.
Molecular consequence: missense variant.
Genome position (GRCh38, 1-based): chr7:55,173,023, C>G. VCF-style: chr7-55173023-C-G. GRCh37 (hg19) VCF-style: chr7-55240716-C-G.
Other names: c.1825C>G, p.Leu609Val (NM_001346897.2, NM_001346899.2); c.1960C>G, p.Leu654Val (NM_001346898.2); c.1801C>G, p.Leu601Val (NM_001346900.2); c.1159C>G, p.Leu387Val (NM_001346941.2); short protein forms L387V, L609V, L601V, L654V.
Identifiers: ClinVar variation 4247302 (VCV004247302.1).

ClinVar aggregate classification (germline): Uncertain significance (1 of 4 stars; one submission).

Conditions:
Hereditary cancer-predisposing syndrome. Also called: Hereditary Cancer Syndrome; Hereditary neoplastic syndrome; Neoplastic Syndromes, Hereditary; Tumor predisposition. Identifiers: Orphanet 140162, MedGen C0027672, MeSH D009386, MONDO:0015356.

Submission:

Ambry Genetics
Classification: Uncertain significance for Hereditary cancer-predisposing syndrome. Last evaluated: 2025-07-14. Review status: criteria provided, single submitter. Criteria: Ambry Variant Classification Scheme 2023. Collection method: clinical testing. Allele origin: germline.
Comment: The p.L654V variant (also known as c.1960C>G), located in coding exon 17 of the EGFR gene, results from a C to G substitution at nucleotide position 1960. The leucine at codon 654 is replaced by valine, an amino acid with highly similar properties. This amino acid position is conserved. In addition, this alteration is predicted to be tolerated by in silico analysis. Based on the available evidence, the clinical significance of this variant remains unclear.